The following is an entry in ClinVar:

ClinVar aggregate classification (germline): Likely benign. Review status: criteria provided, multiple submitters, no conflicts (2 of 4 stars). 5 submissions from 5 submitters: Likely benign (3). 2 of the submissions do not count toward it. Last evaluated 2026-01-11.

Conditions:
Glycogen storage disease, type V (GSD5). Also called: PYGM DEFICIENCY; McArdle type glycogen storage disease; MCARDLE DISEASE; MUSCLE GLYCOGEN PHOSPHORYLASE DEFICIENCY; MYOPHOSPHORYLASE DEFICIENCY. Identifiers: Orphanet 368, MedGen C0017924, MONDO:0009293, OMIM 232600.

Allele frequency attached by ClinVar (database versions not stated): ESP Exome Variant Server 0.00015; TOPMed 0.00015; ExAC 0.00016; gnomAD exomes 0.00018 and 0.00044; gnomAD 0.00023 and 0.00024.

Submissions (5):

Labcorp Genetics (formerly Invitae), Labcorp
Classification: Likely benign for Glycogen storage disease, type V. Last evaluated: 2026-01-11. Review status: criteria provided, single submitter. Criteria: Invitae Variant Classification Sherloc (09022015). Collection method: clinical testing. Allele origin: germline.

Blueprint Genetics
Classification: Likely benign. Last evaluated: 2024-10-11. Review status: criteria provided, single submitter. Criteria: ACMG Guidelines, 2015. Collection method: clinical testing. Allele origin: germline.

GeneDx
Classification: Likely benign. Last evaluated: 2017-10-10. Review status: criteria provided, single submitter. Criteria: GeneDx Variant Classification (06012015). Collection method: clinical testing. Allele origin: germline. Affected: yes.
Comment: This variant is considered likely benign or benign based on one or more of the following criteria: it is a conservative change, it occurs at a poorly conserved position in the protein, it is predicted to be benign by multiple in silico algorithms, and/or has population frequency not consistent with disease.

Genome Diagnostics Laboratory, University Medical Center Utrecht
Classification: Likely benign. Review status: no assertion criteria provided. Collection method: clinical testing. Allele origin: germline. Affected: yes. Study: VKGL Data-share Consensus. Not counted in ClinVar's aggregate classification.

Joint Genome Diagnostic Labs from Nijmegen and Maastricht, Radboudumc and MUMC+
Classification: Likely benign. Review status: no assertion criteria provided. Collection method: clinical testing. Allele origin: germline. Affected: yes. Study: VKGL Data-share Consensus. Not counted in ClinVar's aggregate classification.

NM_005609.4(PYGM):c.729C>T (p.Arg243=)

Gene: PYGM (glycogen phosphorylase, muscle associated; minus strand). Cytogenetic location: 11q13.1.
Variant type: single nucleotide variant.
Coding change: c.729C>T on transcript NM_005609.4 (MANE Select); coding-DNA position 729, C replaced by T.
Protein change: p.Arg243=; no amino-acid change (arginine 243 retained).
Molecular consequence: synonymous variant.
Genome position (GRCh38, 1-based): chr11:64,755,490, G>A on the plus strand (C>T on the coding strand, the complement: PYGM is on the minus strand). VCF-style: chr11-64755490-G-A. GRCh37 (hg19) VCF-style: chr11-64522962-G-A.
Other names: c.465C>T, p.Arg155= (NM_001164716.1).
Identifiers: ClinVar variation 512236 (VCV000512236.15), dbSNP rs151160016, ClinGen allele CA6080141.